The following is an entry in ClinVar:

NM_020820.4(PREX1):c.3349G>C (p.Asp1117His)

Gene: PREX1 (phosphatidylinositol-3,4,5-trisphosphate dependent Rac exchange factor 1; minus strand). Cytogenetic location: 20q13.13.
Variant type: single nucleotide variant.
Coding change: c.3349G>C on transcript NM_020820.4 (MANE Select); coding-DNA position 3349, G replaced by C.
Protein change: p.Asp1117His; replaces aspartic acid 1117 with histidine.
Molecular consequence: missense variant.
Genome position (GRCh38, 1-based): chr20:48,646,014, C>G on the plus strand (G>C on the coding strand, the complement: PREX1 is on the minus strand). VCF-style: chr20-48646014-C-G. GRCh37 (hg19) VCF-style: chr20-47262552-C-G.
Other names: short protein forms D1117H.
Identifiers: ClinVar variation 3218564 (VCV003218564.2), dbSNP rs376311381, ClinGen allele CA9896969.

ClinVar aggregate classification (germline): Uncertain significance. Review status: criteria provided, multiple submitters, no conflicts (2 of 4 stars). 2 submissions from 2 submitters: Uncertain significance (2). Last evaluated 2026-03-09.

Conditions:
PREX1-related disorder. Also called: PREX1-related condition.

Allele frequency attached by ClinVar (database versions not stated): ExAC 0.00001; 1000 Genomes Project 30x 0.00016; 1000 Genomes Project 0.00020.
gnomAD v4.1: 1 of 1,614,140 alleles (0.000062%); highest among the groups gnomAD compares: African/African-American, 0.0013%; no homozygotes.

Submissions (2):

PreventionGenetics, part of Exact Sciences
Classification: Uncertain significance for PREX1-related condition. Last evaluated: 2026-03-09. Review status: criteria provided, single submitter. Criteria: ACMG Guidelines, 2015. Collection method: clinical testing. Allele origin: germline.
Comment: The PREX1 c.3349G>C variant is predicted to result in the amino acid substitution p.Asp1117His. To our knowledge, this variant has not been reported in the literature. This variant is reported in 0.0062% of alleles in individuals of African descent in gnomAD. At this time, the clinical significance of this variant is uncertain due to the absence of conclusive functional and genetic evidence.

Ambry Genetics
Classification: Uncertain significance. Last evaluated: 2023-10-27. Review status: criteria provided, single submitter. Criteria: Ambry Variant Classification Scheme 2023. Collection method: clinical testing. Allele origin: germline.